The following is an entry in ClinVar:

NM_001943.5(DSG2):c.2437T>C (p.Cys813Arg)

Genes: DSG2 (desmoglein 2; plus strand), DSG2-AS1 (DSG2 antisense RNA 1; minus strand). Cytogenetic location: 18q12.1.
Variant type: single nucleotide variant.
Coding change: c.2437T>C on transcript NM_001943.5 (MANE Select); coding-DNA position 2437, T replaced by C.
Protein change: p.Cys813Arg; replaces cysteine 813 with arginine.
Molecular consequence: missense variant. On other transcripts: non-coding transcript variant (1).
Genome position (GRCh38, 1-based): chr18:31,545,823, T>C. VCF-style: chr18-31545823-T-C. GRCh37 (hg19) VCF-style: chr18-29125786-T-C.
Other names: short protein forms C813R.
Identifiers: ClinVar variation 3723118 (VCV003723118.5).

ClinVar aggregate classification (germline): Uncertain significance. Review status: criteria provided, multiple submitters, no conflicts (2 of 4 stars). 3 submissions from 3 submitters: Uncertain significance (3). Last evaluated 2025-07-14.

Conditions:
Arrhythmogenic right ventricular dysplasia 10. Also called: Arrhythmogenic Right Ventricular Dysplasia/Cardiomyopathy10; ARRHYTHMOGENIC RIGHT VENTRICULAR DYSPLASIA, FAMILIAL, 10; Arrhythmogenic right ventricular dysplasia/cardiomyopathy, type 10. Identifiers: MedGen C1857777, MONDO:0012434, OMIM 610193.
Cardiomyopathy (CMYO). Also called: Cardiomyopathies. Identifiers: Orphanet 167848, MedGen C0878544, MONDO:0004994, HP:0001638. Inheritance: Various modes of inheritance.

Submissions (3):

Color Diagnostics, LLC DBA Color Health
Classification: Uncertain significance for Cardiomyopathy. Last evaluated: 2025-07-14. Review status: criteria provided, single submitter. Criteria: ACMG Guidelines, 2015. Collection method: clinical testing. Allele origin: germline.
Comment: This missense variant replaces cysteine with arginine at codon 813 of the DSG2 protein. Computational prediction suggests that this variant may have a deleterious impact on protein structure and function. An in vitro study has shown that this variant causes abnormal protein migration behavior (PMID: 20708101). This variant has been reported in an individual affected with arrhythmogenic right ventricular cardiomyopathy (PMID: 20708101). This variant has not been identified in the general population by the Genome Aggregation Database (gnomAD). The available evidence is insufficient to determine the role of this variant in disease conclusively. Therefore, this variant is classified as a Variant of Uncertain Significance.

Dasa
Classification: Uncertain significance. Last evaluated: 2024-11-08. Review status: criteria provided, single submitter. Criteria: DASA Assertion Criteria. Collection method: clinical testing. Allele origin: germline.
Comment: NM_001943.5(DSG2):c.2437T>C (p.Cys813Arg) is a missense variant that results in the substitution of cysteine with arginine. This variant is absent from population databases. Computational prediction algorithms are consistent with a deleterious effect. The currently available literature and clinical evidence are not sufficient to establish a definitive association between this variant and the reported condition. Therefore, this variant is classified as a variant of uncertain significance.

Labcorp Genetics (formerly Invitae), Labcorp
Classification: Uncertain significance for Arrhythmogenic right ventricular dysplasia 10. Last evaluated: 2024-03-15. Review status: criteria provided, single submitter. Criteria: Invitae Variant Classification Sherloc (09022015). Collection method: clinical testing. Allele origin: germline.
Comment: This sequence change replaces cysteine, which is neutral and slightly polar, with arginine, which is basic and polar, at codon 813 of the DSG2 protein (p.Cys813Arg). This variant is not present in population databases (gnomAD no frequency). This missense change has been observed in individual(s) with arrhythmogenic right ventricular cardiomyopathy (PMID: 20708101). Advanced modeling of protein sequence and biophysical properties (such as structural, functional, and spatial information, amino acid conservation, physicochemical variation, residue mobility, and thermodynamic stability) has been performed at Invitae for this missense variant, however the output from this modeling did not meet the statistical confidence thresholds required to predict the impact of this variant on DSG2 protein function. Experimental studies are conflicting or provide insufficient evidence to determine the effect of this variant on DSG2 function (PMID: 20708101). In summary, the available evidence is currently insufficient to determine the role of this variant in disease. Therefore, it has been classified as a Variant of Uncertain Significance.

Literature cited by the submitters: PubMed 20708101 (cited by Color Diagnostics, LLC DBA Color Health and Labcorp Genetics (formerly Invitae), Labcorp).